The following is an entry in ClinVar:

NM_002691.4(POLD1):c.541_542delinsTT (p.Glu181Leu)

Gene: POLD1 (DNA polymerase delta 1, catalytic subunit; plus strand). Cytogenetic location: 19q13.33.
Variant type: Indel.
Coding change: c.541_542delinsTT on transcript NM_002691.4 (MANE Select); coding-DNA positions 541 to 542, GA replaced by TT.
Protein change: p.Glu181Leu; replaces glutamic acid 181 with leucine.
Molecular consequence: missense variant. On other transcripts: non-coding transcript variant (1).
Genome position (GRCh38, 1-based): chr19:50,402,076-50,402,077, GA replaced by TT. VCF-style: chr19-50402076-GA-TT. GRCh37 (hg19) VCF-style: chr19-50905333-GA-TT.
Other names: c.541_542delinsTT, p.Glu181Leu (NM_001256849.1, NM_001308632.1); short protein forms E181L.
Identifiers: ClinVar variation 2131916 (VCV002131916.4), dbSNP rs2513959985, ClinGen allele CA2580097649.

ClinVar aggregate classification (germline): Uncertain significance (1 of 4 stars; one submission).

Conditions:
POLD1-related polyposis and colorectal cancer syndrome (CRCS10). Also called: Colorectal cancer 10; COLORECTAL CANCER, SUSCEPTIBILITY TO, ON CHROMOSOME 19q; Colorectal cancer, susceptibility to, 10. Identifiers: Orphanet 220460, MedGen C2675481, MONDO:0012953, OMIM 612591.

Submission:

Labcorp Genetics (formerly Invitae), Labcorp
Classification: Uncertain significance for POLD1-related polyposis and colorectal cancer syndrome. Last evaluated: 2023-04-28. Review status: criteria provided, single submitter. Criteria: Invitae Variant Classification Sherloc (09022015). Collection method: clinical testing. Allele origin: germline.
Comment: In summary, the available evidence is currently insufficient to determine the role of this variant in disease. Therefore, it has been classified as a Variant of Uncertain Significance. An algorithm developed to predict the effect of missense changes on protein structure and function (PolyPhen-2) suggests that this variant is likely to be tolerated. ClinVar contains an entry for this variant (Variation ID: 2131916). This variant has not been reported in the literature in individuals affected with POLD1-related conditions. Information on the frequency of this variant in the gnomAD database is not available, as this variant may be reported differently in the database. This sequence change replaces glutamic acid, which is acidic and polar, with leucine, which is neutral and non-polar, at codon 181 of the POLD1 protein (p.Glu181Leu).